The following is an entry in ClinVar:

ClinVar aggregate classification (germline): Uncertain significance (1 of 4 stars; one submission).

Conditions:
Familial thoracic aortic aneurysm and aortic dissection (TAAD). Also called: Thoracic aortic aneurysms and dissections. Identifiers: Orphanet 91387, MedGen C4707243, MONDO:0019625.

gnomAD v4.1: 3 of 1,614,212 alleles (0.00019%); highest among the groups gnomAD compares: Non-Finnish European, 0.00025%; no homozygotes.

Submission:

Ambry Genetics
Classification: Uncertain significance for Familial thoracic aortic aneurysm and aortic dissection. Last evaluated: 2024-09-24. Review status: criteria provided, single submitter. Criteria: Ambry Variant Classification Scheme 2023. Collection method: clinical testing. Allele origin: germline.
Comment: The p.T1268I variant (also known as c.3803C>T), located in coding exon 19 of the MYLK gene, results from a C to T substitution at nucleotide position 3803. The threonine at codon 1268 is replaced by isoleucine, an amino acid with similar properties. This amino acid position is conserved. In addition, the in silico prediction for this alteration is inconclusive. Based on the available evidence, the clinical significance of this variant remains unclear.

NM_053025.4(MYLK):c.3803C>T (p.Thr1268Ile)

Gene: MYLK (myosin light chain kinase; minus strand). Cytogenetic location: 3q21.1.
Variant type: single nucleotide variant.
Coding change: c.3803C>T on transcript NM_053025.4 (MANE Select); coding-DNA position 3803, C replaced by T.
Protein change: p.Thr1268Ile; replaces threonine 1268 with isoleucine.
Molecular consequence: missense variant.
Genome position (GRCh38, 1-based): chr3:123,666,247, G>A on the plus strand (C>T on the coding strand, the complement: MYLK is on the minus strand). VCF-style: chr3-123666247-G-A. GRCh37 (hg19) VCF-style: chr3-123385094-G-A.
Other names: c.3275C>T, p.Thr1092Ile (NM_001321309.2); c.3596C>T, p.Thr1199Ile (NM_053026.4, NM_053028.4); c.3803C>T, p.Thr1268Ile (NM_053027.4); short protein forms T1268I, T1092I, T1199I.
Identifiers: ClinVar variation 3401105 (VCV003401105.1).
Genomic context (GRCh38, chr3:123,666,247, plus strand): 5'-ACCCCCAGTGCCCACCCCATACCGTCACTGACCTGCTTTCGGAACTTCATCCAGGTACAG[G>A]TGATGGGCTGAGTGCCTGTCACTTTGCCAAACAGCTCCACTGACTCTCCTGCGCGTACCT-3'
Protein context (NP_444253.3, residues 1258-1278): FGKVTGTQPI[Thr1268Ile]CTWMKFRKQI